The following is an entry in ClinVar:

ClinVar aggregate classification (germline): Uncertain significance (1 of 4 stars; one submission).

Allele frequency attached by ClinVar (database versions not stated): gnomAD exomes 0.00003 and 0.00010; ExAC 0.00004; gnomAD 0.00005 and 0.00006; TOPMed 0.00006; ESP Exome Variant Server 0.00008.
gnomAD v4.1: 147 of 1,614,084 alleles (0.0091%); highest among the groups gnomAD compares: Non-Finnish European, 0.012%; no homozygotes.

Submission:

Labcorp Genetics (formerly Invitae), Labcorp
Classification: Uncertain significance. Last evaluated: 2025-11-23. Review status: criteria provided, single submitter. Criteria: Invitae Variant Classification Sherloc (09022015). Collection method: clinical testing. Allele origin: germline.
Comment: This sequence change replaces proline, which is neutral and non-polar, with leucine, which is neutral and non-polar, at codon 264 of the TGFB1 protein (p.Pro264Leu). This variant is present in population databases (rs146182311, gnomAD 0.008%). This variant has not been reported in the literature in individuals affected with TGFB1-related conditions. ClinVar contains an entry for this variant (Variation ID: 1467482). Invitae Evidence Modeling of protein sequence and biophysical properties (such as structural, functional, and spatial information, amino acid conservation, physicochemical variation, residue mobility, and thermodynamic stability) indicates that this missense variant is not expected to disrupt TGFB1 protein function with a negative predictive value of 80%. In summary, the available evidence is currently insufficient to determine the role of this variant in disease. Therefore, it has been classified as a Variant of Uncertain Significance.

NM_000660.7(TGFB1):c.791C>T (p.Pro264Leu)

Gene: TGFB1 (transforming growth factor beta 1; minus strand). Cytogenetic location: 19q13.2.
Variant type: single nucleotide variant.
Coding change: c.791C>T on transcript NM_000660.7 (MANE Select); coding-DNA position 791, C replaced by T.
Protein change: p.Pro264Leu; replaces proline 264 with leucine.
Molecular consequence: missense variant.
Genome position (GRCh38, 1-based): chr19:41,341,952, G>A on the plus strand (C>T on the coding strand, the complement: TGFB1 is on the minus strand). VCF-style: chr19-41341952-G-A. GRCh37 (hg19) VCF-style: chr19-41847857-G-A.
Other names: short protein forms P264L.
Identifiers: ClinVar variation 1467482 (VCV001467482.8), dbSNP rs146182311, ClinGen allele CA9459990.